The following is an entry in ClinVar:

ClinVar aggregate classification (germline): Pathogenic (1 of 4 stars; one submission).

Conditions:
Alkuraya-Kucinskas syndrome. Identifiers: Orphanet 610569, MedGen C4693347, MONDO:0060631, OMIM 617822.

Submission:

Variantyx, Inc.
Classification: Pathogenic for Alkuraya-Kucinskas syndrome. Last evaluated: 2025-07-23. Review status: criteria provided, single submitter. Criteria: Variantyx Assertion Criteria 2022. Collection method: clinical testing. Allele origin: germline. Inheritance: Autosomal recessive inheritance. Affected: yes.
Comment: This is a frameshift variant in the BLTP1 gene (OMIM: 611565). Pathogenic variants in this gene have been associated with autosomal recessive Alkuraya-Kucinskas syndrome. This variant introduces a premature termination codon in exon 79 out of 88 and is expected to result in loss of function, which is a known disease mechanism for BLTP1 in this disorder (PMID: 29290337) (PVS1). The clinical symptoms reported for this individual are highly specific for autosomal recessive Alkuraya-Kucinskas syndrome, which has a limited genetic etiology (PMID: 29290337) (PP4). This variant is absent from control populations (PM2) and has not been reported in individuals with BLTP1-related disorders in the databases available for review. Based on the current evidence, this variant is classified as pathogenic for autosomal recessive Alkuraya-Kucinskas syndrome.

Literature cited by the submitters: PubMed 29290337.

NM_001384125.1(BLTP1):c.13408del (p.Thr4470fs)

Gene: BLTP1 (bridge-like lipid transfer protein family member 1; plus strand). Cytogenetic location: 4q27.
Variant type: Deletion.
Coding change: c.13408del on transcript NM_001384125.1 (MANE Select); coding-DNA position 13408, one base deleted (A; older notation c.13408delA).
Protein change: p.Thr4470fs; shifts the reading frame from threonine 4470.
Molecular consequence: frameshift variant.
Genome position (GRCh38, 1-based): chr4:122,348,581, A deleted; the last of 5 consecutive A bases (chr4:122,348,577-122,348,581); deleting any one gives the same sequence. VCF-style (leftmost placement, unchanged base first): chr4-122348576-CA-C. GRCh37 (hg19) VCF-style: chr4-123269731-CA-C.
Other names: c.13144del, p.Thr4382fs (NM_015312.4); short protein forms T4382fs, T4470fs.
Identifiers: ClinVar variation 4813753 (VCV004813753.1).